The following is an entry in ClinVar:

ClinVar aggregate classification (germline): Pathogenic (1 of 4 stars; one submission).

Conditions:
Hereditary cancer-predisposing syndrome. Also called: Neoplastic Syndromes, Hereditary; Tumor predisposition; Hereditary Cancer Syndrome; Hereditary neoplastic syndrome. Identifiers: Orphanet 140162, MedGen C0027672, MeSH D009386, MONDO:0015356.

Submission:

Ambry Genetics
Classification: Pathogenic for Hereditary cancer-predisposing syndrome. Last evaluated: 2015-04-16. Review status: criteria provided, single submitter. Criteria: Ambry Variant Classification Scheme 2023. Collection method: clinical testing. Allele origin: germline.
Comment: The p.C82* pathogenic mutation (also known as c.246C>A), located in coding exon 3 of the BMPR1A gene, results from a C to A substitution at nucleotide position 246. This changes the amino acid from a cysteine to a stop codon within coding exon 3. Since premature stop codons are typically deleterious in nature, this alteration is interpreted as a disease-causing mutation (ACMG Recommendations for Standards for Interpretation and Reporting of Sequence Variations. Revision 2007. Genet Med. 2008;10:294).

NM_004329.3(BMPR1A):c.246C>A (p.Cys82Ter)

Gene: BMPR1A (bone morphogenetic protein receptor type 1A; plus strand). Cytogenetic location: 10q23.2.
Variant type: single nucleotide variant.
Coding change: c.246C>A on transcript NM_004329.3 (MANE Select); coding-DNA position 246, C replaced by A.
Protein change: p.Cys82Ter; replaces cysteine 82 with a stop codon.
Molecular consequence: nonsense.
Genome position (GRCh38, 1-based): chr10:86,892,142, C>A. VCF-style: chr10-86892142-C-A. GRCh37 (hg19) VCF-style: chr10-88651899-C-A.
Other names: short protein forms C82*.
Identifiers: ClinVar variation 231283 (VCV000231283.5), dbSNP rs759647230, ClinGen allele CA10578874.